The following is an entry in ClinVar:

ClinVar aggregate classification (germline): Likely benign. Review status: criteria provided, multiple submitters, no conflicts (2 of 4 stars). 3 submissions from 3 submitters: Likely benign (2). 1 of the submissions does not count toward it. Last evaluated 2026-02-01.

Conditions:
Kabuki syndrome. Also called: NIIKAWA-KUROKI SYNDROME; Kabuki make-up syndrome. Identifiers: Orphanet 2322, MedGen C0796004, MONDO:0016512.
KMT2D-related disorder. Also called: KMT2D-Related Disorders.

Allele frequency attached by ClinVar (database versions not stated): gnomAD exomes below 0.00001; ExAC 0.00002; TOPMed 0.00003; gnomAD 0.00005 and 0.00006.
gnomAD v4.1: 46 of 1,551,792 alleles (0.003%); highest among the groups gnomAD compares: African/African-American, 0.0049%; no homozygotes.

Submissions (3):

CeGaT Center for Human Genetics Tuebingen
Classification: Likely benign. Last evaluated: 2026-02-01. Review status: criteria provided, single submitter. Criteria: CeGaT Center For Human Genetics Tuebingen Variant Classification Criteria Version 2. Collection method: clinical testing. Allele origin: germline. Affected: yes. Observed: 1 variant allele.
Comment: KMT2D: BP4, BP7

Labcorp Genetics (formerly Invitae), Labcorp
Classification: Likely benign for Kabuki syndrome. Last evaluated: 2025-08-18. Review status: criteria provided, single submitter. Criteria: Invitae Variant Classification Sherloc (09022015). Collection method: clinical testing. Allele origin: germline.

PreventionGenetics, part of Exact Sciences
Classification: Likely benign for KMT2D-related condition. Last evaluated: 2021-12-13. Review status: no assertion criteria provided. Collection method: clinical testing. Allele origin: germline. Not counted in ClinVar's aggregate classification.
Comment: This variant is classified as likely benign based on ACMG/AMP sequence variant interpretation guidelines (Richards et al. 2015 PMID: 25741868, with internal and published modifications).

NM_003482.4(KMT2D):c.2289G>A (p.Pro763=)

Gene: KMT2D (lysine methyltransferase 2D; minus strand). Cytogenetic location: 12q13.12.
Variant type: single nucleotide variant.
Coding change: c.2289G>A on transcript NM_003482.4 (MANE Select); coding-DNA position 2289, G replaced by A.
Protein change: p.Pro763=; no amino-acid change (proline 763 retained).
Molecular consequence: synonymous variant.
Genome position (GRCh38, 1-based): chr12:49,051,394, C>T on the plus strand (G>A on the coding strand, the complement: KMT2D is on the minus strand). VCF-style: chr12-49051394-C-T. GRCh37 (hg19) VCF-style: chr12-49445177-C-T.
Other names: c.2289G>A (NM_003482.3).
Identifiers: ClinVar variation 1606438 (VCV001606438.14), dbSNP rs529665353, ClinGen allele CA6548292.